The following is an entry in ClinVar:

ClinVar aggregate classification (germline): Likely benign. Review status: criteria provided, multiple submitters, no conflicts (2 of 4 stars). 2 submissions from 2 submitters: Likely benign (2). Last evaluated 2024-11-08.

Allele frequency attached by ClinVar (database versions not stated): TOPMed 0.00042; 1000 Genomes Project 30x 0.00078; 1000 Genomes Project 0.00100; gnomAD 0.00169.
gnomAD v4.1: 1,938 of 1,613,158 alleles (0.12%); highest among the groups gnomAD compares: East Asian, 0.68%; 20 homozygotes.

Submissions (2):

Blueprint Genetics
Classification: Likely benign. Last evaluated: 2024-11-08. Review status: criteria provided, single submitter. Criteria: ACMG Guidelines, 2015. Collection method: clinical testing. Allele origin: germline.

CeGaT Center for Human Genetics Tuebingen
Classification: Likely benign. Last evaluated: 2023-09-01. Review status: criteria provided, single submitter. Criteria: CeGaT Center For Human Genetics Tuebingen Variant Classification Criteria Version 2. Collection method: clinical testing. Allele origin: germline. Affected: yes. Observed: 2 variant alleles.
Comment: NEMF: BP4, BS1

NM_004713.6(NEMF):c.2580A>C (p.Lys860Asn)

Gene: NEMF (nuclear export mediator factor; minus strand). Cytogenetic location: 14q21.3.
Variant type: single nucleotide variant.
Coding change: c.2580A>C on transcript NM_004713.6 (MANE Select); coding-DNA position 2580, A replaced by C.
Protein change: p.Lys860Asn; replaces lysine 860 with asparagine.
Molecular consequence: missense variant.
Genome position (GRCh38, 1-based): chr14:49,795,830, T>G on the plus strand (A>C on the coding strand, the complement: NEMF is on the minus strand). VCF-style: chr14-49795830-T-G. GRCh37 (hg19) VCF-style: chr14-50262548-T-G.
Other names: c.2517A>C, p.Lys839Asn (NM_001301732.3); short protein forms K839N, K860N.
Identifiers: ClinVar variation 2582920 (VCV002582920.26), dbSNP rs142838359, ClinGen allele CA7174894.